The following is an entry in ClinVar:

ClinVar aggregate classification (germline): Pathogenic/Likely pathogenic. Review status: criteria provided, multiple submitters, no conflicts (2 of 4 stars). 2 submissions from 2 submitters: Pathogenic (1); Likely pathogenic (1). Last evaluated 2025-09-10.

Conditions:
Tuberous sclerosis 2 (TSC2). Identifiers: Orphanet 805, MedGen C1860707, MONDO:0013199, OMIM 613254.

Submissions (2):

Labcorp Genetics (formerly Invitae), Labcorp
Classification: Pathogenic for Tuberous sclerosis 2. Last evaluated: 2025-09-10. Review status: criteria provided, single submitter. Criteria: Invitae Variant Classification Sherloc (09022015). Collection method: clinical testing. Allele origin: germline.
Comment: This sequence change creates a premature translational stop signal (p.Tyr576*) in the TSC2 gene. It is expected to result in an absent or disrupted protein product. Loss-of-function variants in TSC2 are known to be pathogenic (PMID: 10205261, 17304050). This variant is not present in population databases (gnomAD no frequency). This variant has not been reported in the literature in individuals affected with TSC2-related conditions. ClinVar contains an entry for this variant (Variation ID: 2682993). For these reasons, this variant has been classified as Pathogenic.

Mayo Clinic Laboratories, Mayo Clinic
Classification: Likely pathogenic. Last evaluated: 2023-03-17. Review status: criteria provided, single submitter. Criteria: ACMG Guidelines, 2015. Collection method: clinical testing. Allele origin: germline. Observed: 1 variant allele.
Comment: PM2, PVS1

Literature cited by the submitters: PubMed 10205261 (cited by Labcorp Genetics (formerly Invitae), Labcorp); PubMed 17304050 (cited by Labcorp Genetics (formerly Invitae), Labcorp).

NM_000548.5(TSC2):c.1728C>G (p.Tyr576Ter)

Gene: TSC2 (TSC complex subunit 2; plus strand). Cytogenetic location: 16p13.3.
Variant type: single nucleotide variant.
Coding change: c.1728C>G on transcript NM_000548.5 (MANE Select); coding-DNA position 1728, C replaced by G.
Protein change: p.Tyr576Ter; replaces tyrosine 576 with a stop codon.
Molecular consequence: nonsense. On other transcripts: non-coding transcript variant (5).
Genome position (GRCh38, 1-based): chr16:2,070,467, C>G. VCF-style: chr16-2070467-C-G. GRCh37 (hg19) VCF-style: chr16-2120468-C-G.
Other names: p.Tyr576*; c.1728C>G, p.Tyr576Ter (NM_001077183.3, NM_001114382.3, NM_001363528.2 and 6 more transcripts); c.1617C>G, p.Tyr539Ter (NM_001318827.2, NM_001406678.1, NM_001406670.1); c.1581C>G, p.Tyr527Ter (NM_001318829.2, NM_001406676.1, NM_001406679.1 and 1 more transcripts); c.1128C>G, p.Tyr376Ter (NM_001318831.2, NM_001406680.1, NM_001406682.1 and 6 more transcripts); c.1761C>G, p.Tyr587Ter (NM_001318832.2); c.1671C>G, p.Tyr557Ter (NM_001406677.1); c.1266C>G, p.Tyr422Ter (NM_001406681.1); and 4 more; short protein forms Y128*, Y376*, Y42*, Y422*, Y527*, Y539*, Y557*, Y572*.
Identifiers: ClinVar variation 2682993 (VCV002682993.2), dbSNP rs966102111, ClinGen allele CA394272684.